The following is an entry in ClinVar:

ClinVar aggregate classification (germline): Uncertain significance (1 of 4 stars; one submission).

Conditions:
Charcot-Marie-Tooth disease type 2. Also called: Charcot-Marie-Tooth type 2. Identifiers: Orphanet 64746, MedGen C0270914, MONDO:0018993.

Submission:

Labcorp Genetics (formerly Invitae), Labcorp
Classification: Uncertain significance for Charcot-Marie-Tooth disease type 2. Last evaluated: 2024-09-21. Review status: criteria provided, single submitter. Criteria: Invitae Variant Classification Sherloc (09022015). Collection method: clinical testing. Allele origin: germline.
Comment: This sequence change replaces proline, which is neutral and non-polar, with threonine, which is neutral and polar, at codon 8 of the BSCL2 protein (p.Pro8Thr). This variant is not present in population databases (gnomAD no frequency). This variant has not been reported in the literature in individuals affected with BSCL2-related conditions. Invitae Evidence Modeling of protein sequence and biophysical properties (such as structural, functional, and spatial information, amino acid conservation, physicochemical variation, residue mobility, and thermodynamic stability) indicates that this missense variant is expected to disrupt BSCL2 protein function with a positive predictive value of 80%. In summary, the available evidence is currently insufficient to determine the role of this variant in disease. Therefore, it has been classified as a Variant of Uncertain Significance.

NM_001122955.4(BSCL2):c.214C>A (p.Pro72Thr)

Genes: BSCL2 (BSCL2 lipid droplet biogenesis associated, seipin; minus strand), HNRNPUL2-BSCL2 (HNRNPUL2-BSCL2 readthrough (NMD candidate); minus strand). Cytogenetic location: 11q12.3.
Variant type: single nucleotide variant.
Coding change: c.214C>A on transcript NM_001122955.4 (MANE Select); coding-DNA position 214, C replaced by A.
Protein change: p.Pro72Thr; replaces proline 72 with threonine.
Molecular consequence: missense variant. On other transcripts: non-coding transcript variant (1).
Genome position (GRCh38, 1-based): chr11:62,705,491, G>T on the plus strand (C>A on the coding strand, the complement: BSCL2 is on the minus strand). VCF-style: chr11-62705491-G-T. GRCh37 (hg19) VCF-style: chr11-62472963-G-T.
Other names: c.22C>A, p.Pro8Thr (NM_001130702.2, NM_032667.6); c.214C>A, p.Pro72Thr (NM_001386027.1, NM_001386028.1); short protein forms P72T, P8T.
Identifiers: ClinVar variation 3665961 (VCV003665961.2).